The following is an entry in ClinVar:

ClinVar aggregate classification (germline): Pathogenic (1 of 4 stars; one submission).

Conditions:
Hereditary nonpolyposis colon cancer (HNPCC). Also called: Hereditary Nonpolyposis Colorectal Cancer Syndrome; Hereditary nonpolyposis colorectal cancer; Familial nonpolyposis colon cancer. Identifiers: Orphanet 443909, MedGen C1333990, MONDO:0018630. Disease mechanism: loss of function.

Submission:

Women's Health and Genetics/Laboratory Corporation of America, LabCorp
Classification: Pathogenic for Hereditary nonpolyposis colon cancer. Last evaluated: 2022-11-22. Review status: criteria provided, single submitter. Criteria: LabCorp Variant Classification Summary - May 2015. Collection method: clinical testing. Allele origin: germline.
Comment: Variant summary: The variant identified by MLPA or other technology involves the deletion of exons 5-6 in the MSH6 gene. A presumed nomenclature of c.(3172+1_3173-1)_(3556+1_3557-1)del has been designated for the purposes of this classification. Although exact breakpoints of this deletion are not known, it is expected to result in a large in-frame deletion in the MSH6 gene. The variant was absent in 21694 control chromosomes in the gnomAD database (structural variants data set). Deletion of exons 5-6 has been reported in the literature in individuals affected with endometrial adenocarcinoma (example: Leenen_2012, Hampel_2006) and individuals with a clinical suspicion of Lynch Syndrome (example: Arnold_2020 and Okinuora_2020). These data indicate that the variant is likely to be associated with disease. One clinical diagnostic laboratory has submitted clinical-significance assessments for this variant to ClinVar after 2014 and classified the variant as pathogenic. Based on the evidence outlined above, the variant was classified as pathogenic.

Literature cited by the submitters: PubMed 16885385; PubMed 32660107; PubMed 32782288; PubMed 31822864; PubMed 22306203.

NC_000002.11:g.(48028295_48030558)_(48032167_48032756)del

Gene: MSH6 (mutS homolog 6; plus strand). Cytogenetic location: 2p16.3.
Variant type: Deletion.
Identifiers: ClinVar variation 1804656 (VCV001804656.1).